The following is an entry in ClinVar:

ClinVar aggregate classification (germline): Uncertain significance (1 of 4 stars; one submission).

Conditions:
Long QT syndrome (LQTS). Identifiers: MedGen C0023976, MeSH D008133, MONDO:0002442. Disease mechanism: loss of function. Inheritance: Various modes of inheritance.

Allele frequency attached by ClinVar (database versions not stated): gnomAD 0.00001; gnomAD exomes 0.00001.
gnomAD v4.1: 4 of 1,613,980 alleles (0.00025%); highest among the groups gnomAD compares: Non-Finnish European, 0.00025%; no homozygotes.

Submission:

Labcorp Genetics (formerly Invitae), Labcorp
Classification: Uncertain significance for Long QT syndrome. Last evaluated: 2025-10-15. Review status: criteria provided, single submitter. Criteria: Invitae Variant Classification Sherloc (09022015). Collection method: clinical testing. Allele origin: germline.
Comment: This sequence change replaces aspartic acid, which is acidic and polar, with alanine, which is neutral and non-polar, at codon 829 of the KCNH2 protein (p.Asp829Ala). This variant is present in population databases (no rsID available, gnomAD no frequency). This variant has not been reported in the literature in individuals affected with KCNH2-related conditions. ClinVar contains an entry for this variant (Variation ID: 851362). An algorithm developed to predict the effect of missense changes on protein structure and function (PolyPhen-2) suggests that this variant is likely to be disruptive. In summary, the available evidence is currently insufficient to determine the role of this variant in disease. Therefore, it has been classified as a Variant of Uncertain Significance.

NM_000238.4(KCNH2):c.2486A>C (p.Asp829Ala)

Gene: KCNH2 (potassium voltage-gated channel subfamily H member 2; minus strand). Cytogenetic location: 7q36.1.
Variant type: single nucleotide variant.
Coding change: c.2486A>C on transcript NM_000238.4 (MANE Select); coding-DNA position 2486, A replaced by C.
Protein change: p.Asp829Ala; replaces aspartic acid 829 with alanine.
Molecular consequence: missense variant.
Genome position (GRCh38, 1-based): chr7:150,948,962, T>G on the plus strand (A>C on the coding strand, the complement: KCNH2 is on the minus strand). VCF-style: chr7-150948962-T-G. GRCh37 (hg19) VCF-style: chr7-150646050-T-G.
Other names: c.1466A>C, p.Asp489Ala (NM_172057.3); short protein forms D489A, D829A.
Identifiers: ClinVar variation 851362 (VCV000851362.9), dbSNP rs1210175432, ClinGen allele CA369855102.